The following is an entry in ClinVar:

NM_001173467.3(SP7):c.1219C>T (p.Arg407Ter)

Gene: SP7 (Sp7 transcription factor; minus strand). Cytogenetic location: 12q13.13.
Variant type: single nucleotide variant.
Coding change: c.1219C>T on transcript NM_001173467.3 (MANE Select); coding-DNA position 1219, C replaced by T.
Protein change: p.Arg407Ter; replaces arginine 407 with a stop codon.
Molecular consequence: nonsense.
Genome position (GRCh38, 1-based): chr12:53,328,223, G>A on the plus strand (C>T on the coding strand, the complement: SP7 is on the minus strand). VCF-style: chr12-53328223-G-A. GRCh37 (hg19) VCF-style: chr12-53722007-G-A.
Other names: c.1165C>T, p.Arg389Ter (NM_001300837.2); c.1219C>T, p.Arg407Ter (NM_152860.2); short protein forms R389*, R407*.
Identifiers: ClinVar variation 5018530 (VCV005018530.2).
Genomic context (GRCh38, chr12:53,328,223, plus strand): 5'-TGCTCTGCTCAGGGCTGCCTCCAGGGGCTTTCTCTGGGGTTGCTGGCGAGGCAGAAGGTC[G>A]GGGCGTCTGACTGGCCTCCTCTTCCCCCGTGCTGCGGCCCTCCCCCAGCTCCTTGGGGCC-3'

ClinVar aggregate classification (germline): Uncertain significance (1 of 4 stars; one submission).

Conditions:
Osteogenesis imperfecta type 12 (OI12). Also called: OI, TYPE XII; Osteogenesis imperfecta, type XII. Identifiers: Orphanet 666, MedGen C3151433, MONDO:0013460, OMIM 613849.

Submission:

Juno Genomics, Hangzhou Juno Genomics, Inc
Classification: Uncertain significance for Osteogenesis imperfecta type 12. Review status: criteria provided, single submitter. Criteria: ACMG Guidelines, 2015. Collection method: clinical testing. Allele origin: germline.
Comment: Absent from controls (or at extremely low frequency if recessive) in Genome Aggregation Database.